The following is an entry in ClinVar:

NM_004517.4(ILK):c.1037G>A (p.Cys346Tyr)

Genes: ILK (integrin linked kinase; plus strand), TAF10 (TATA-box binding protein associated factor 10; minus strand). Cytogenetic location: 11p15.4.
Variant type: single nucleotide variant.
Coding change: c.1037G>A on transcript NM_004517.4 (MANE Select); coding-DNA position 1037, G replaced by A.
Protein change: p.Cys346Tyr; replaces cysteine 346 with tyrosine.
Molecular consequence: missense variant. On other transcripts: 3 prime UTR variant (1).
Genome position (GRCh38, 1-based): chr11:6,609,994, G>A. VCF-style: chr11-6609994-G-A. GRCh37 (hg19) VCF-style: chr11-6631225-G-A.
Other names: c.1037G>A, p.Cys346Tyr (NM_001014794.3, NM_001014795.3); c.854G>A, p.Cys285Tyr (NM_001278441.2); c.635G>A, p.Cys212Tyr (NM_001278442.2); c.*928C>T (NM_006284.4); short protein forms C212Y, C285Y, C346Y.
Identifiers: ClinVar variation 3224300 (VCV003224300.1), dbSNP rs2493777625, ClinGen allele CA379466377.
Genomic context (GRCh38, chr11:6,609,994, plus strand): 5'-AGATTGATGAGGACATGACTGCCCGAATTAGCATGGCTGATGTCAAGTTCTCTTTCCAAT[G>A]TCCTGGTCGCATGTATGCACCTGCCTGGGTAGCCCCCGAAGGTGAGTGAAGTCATCATGT-3'
Protein context (NP_004508.1, residues 336-356): SMADVKFSFQ[Cys346Tyr]PGRMYAPAWV

ClinVar aggregate classification (germline): Uncertain significance (1 of 4 stars; one submission).

Submission:

Ambry Genetics
Classification: Uncertain significance. Last evaluated: 2023-12-12. Review status: criteria provided, single submitter. Criteria: Ambry Variant Classification Scheme 2023. Collection method: clinical testing. Allele origin: germline.
Comment: The p.C346Y variant (also known as c.1037G>A), located in coding exon 10 of the ILK gene, results from a G to A substitution at nucleotide position 1037. The cysteine at codon 346 is replaced by tyrosine, an amino acid with highly dissimilar properties. This amino acid position is conserved. In addition, this alteration is predicted to be deleterious by in silico analysis. Since supporting evidence is limited at this time, the clinical significance of this alteration remains unclear.